The following is an entry in ClinVar:

ClinVar aggregate classification (germline): Uncertain significance (1 of 4 stars; one submission).

Conditions:
Werner syndrome (WRN). Identifiers: Orphanet 902, MedGen C0043119, MONDO:0010196, OMIM 277700.

Allele frequency attached by ClinVar (database versions not stated): gnomAD exomes below 0.00001; ExAC 0.00001; gnomAD 0.00001; 1000 Genomes Project 30x 0.00016; 1000 Genomes Project 0.00020.
gnomAD v4.1: 1 of 1,608,730 alleles (0.000062%); highest among the groups gnomAD compares: African/African-American, 0.0013%; no homozygotes.

Submission:

Labcorp Genetics (formerly Invitae), Labcorp
Classification: Uncertain significance for Werner syndrome. Last evaluated: 2022-10-13. Review status: criteria provided, single submitter. Criteria: Invitae Variant Classification Sherloc (09022015). Collection method: clinical testing. Allele origin: germline.
Comment: In summary, the available evidence is currently insufficient to determine the role of this variant in disease. Therefore, it has been classified as a Variant of Uncertain Significance. Variants that disrupt the consensus splice site are a relatively common cause of aberrant splicing (PMID: 17576681, 9536098). Algorithms developed to predict the effect of sequence changes on RNA splicing suggest that this variant may disrupt the consensus splice site. ClinVar contains an entry for this variant (Variation ID: 1006049). This variant has not been reported in the literature in individuals affected with WRN-related conditions. This variant is present in population databases (rs576879904, gnomAD 0.007%). This sequence change falls in intron 21 of the WRN gene. It does not directly change the encoded amino acid sequence of the WRN protein. It affects a nucleotide within the consensus splice site.

Literature cited by the submitters: PubMed 17576681; PubMed 9536098.

NM_000553.6(WRN):c.2631-3C>T

Gene: WRN (WRN RecQ like helicase; plus strand). Cytogenetic location: 8p12.
Variant type: single nucleotide variant.
Coding change: c.2631-3C>T on transcript NM_000553.6 (MANE Select); 3 bases into the intron before coding-DNA position 2631, C replaced by T.
Molecular consequence: intron variant.
Genome position (GRCh38, 1-based): chr8:31,124,519, C>T. VCF-style: chr8-31124519-C-T. GRCh37 (hg19) VCF-style: chr8-30982035-C-T.
Identifiers: ClinVar variation 1006049 (VCV001006049.5), dbSNP rs576879904, ClinGen allele CA4704806.